The following is an entry in ClinVar:

ClinVar aggregate classification (germline): Pathogenic. Review status: criteria provided, multiple submitters, no conflicts (2 of 4 stars). 2 submissions from 2 submitters: Pathogenic (2). Last evaluated 2025-11-04.

Conditions:
Hereditary cancer-predisposing syndrome. Also called: Hereditary Cancer Syndrome; Hereditary neoplastic syndrome; Neoplastic Syndromes, Hereditary; Tumor predisposition. Identifiers: Orphanet 140162, MedGen C0027672, MeSH D009386, MONDO:0015356.
Hereditary breast ovarian cancer syndrome. Also called: Hereditary breast and ovarian cancer syndrome (HBOC); Hereditary breast and/or ovarian cancer syndrome; Breast and ovarian cancer; Hereditary breast and ovarian cancer syndrome; Hereditary breast and ovarian cancer; BRCA1- and BRCA2-Associated Hereditary Breast and Ovarian Cancer. Identifiers: Orphanet 145, MedGen C0677776, MeSH D061325, MONDO:0003582. Disease mechanism: loss of function.

Submissions (2):

Labcorp Genetics (formerly Invitae), Labcorp
Classification: Pathogenic for Hereditary breast ovarian cancer syndrome. Last evaluated: 2025-11-04. Review status: criteria provided, single submitter. Criteria: Invitae Variant Classification Sherloc (09022015). Collection method: clinical testing. Allele origin: germline.
Comment: This sequence change creates a premature translational stop signal (p.Trp3106Glyfs*2) in the BRCA2 gene. It is expected to result in an absent or disrupted protein product. Loss-of-function variants in BRCA2 are known to be pathogenic (PMID: 20104584). This variant is not present in population databases (gnomAD no frequency). This variant has not been reported in the literature in individuals affected with BRCA2-related conditions. ClinVar contains an entry for this variant (Variation ID: 4215882). For these reasons, this variant has been classified as Pathogenic.

Ambry Genetics
Classification: Pathogenic for Hereditary cancer-predisposing syndrome. Last evaluated: 2025-07-30. Review status: criteria provided, single submitter. Criteria: Ambry Variant Classification Scheme 2023. Collection method: clinical testing. Allele origin: germline.
Comment: The c.9316delT pathogenic mutation, located in coding exon 24 of the BRCA2 gene, results from a deletion of one nucleotide at nucleotide position 9316, causing a translational frameshift with a predicted alternate stop codon (p.W3106Gfs*2). This variant is considered to be rare based on population cohorts in the Genome Aggregation Database (gnomAD). This alteration is expected to result in loss of function by premature protein truncation or nonsense-mediated mRNA decay. As such, this alteration is interpreted as a disease-causing mutation.

Literature cited by the submitters: PubMed 20104584 (cited by Labcorp Genetics (formerly Invitae), Labcorp).

NM_000059.4(BRCA2):c.9316del (p.Trp3106fs)

Gene: BRCA2 (BRCA2 DNA repair associated; plus strand). Cytogenetic location: 13q13.1.
Variant type: Deletion.
Coding change: c.9316del on transcript NM_000059.4 (MANE Select); coding-DNA position 9316, one base deleted (T; older notation c.9316delT).
Protein change: p.Trp3106fs; shifts the reading frame from tryptophan 3106.
Molecular consequence: frameshift variant. On other transcripts: non-coding transcript variant (1).
Genome position (GRCh38, 1-based): chr13:32,394,748, T deleted; the last of 4 consecutive T bases (chr13:32,394,745-32,394,748); deleting any one gives the same sequence. VCF-style (leftmost placement, unchanged base first): chr13-32394744-GT-G. GRCh37 (hg19) VCF-style: chr13-32968881-GT-G.
Other names: c.9220del, p.Trp3074fs (NM_001406719.1); c.9265del, p.Trp3089fs (NM_001406720.1); c.4384del, p.Trp1462fs (NM_001406721.1); c.2899del, p.Trp967fs (NM_001406722.1); c.9316del, p.Trp3106fs (NM_001432077.1); short protein forms W1462fs, W3089fs, W3106fs, W3074fs, W967fs.
Identifiers: ClinVar variation 4215882 (VCV004215882.2).